The following is an entry in ClinVar:

ClinVar aggregate classification (germline): Uncertain significance. Review status: criteria provided, multiple submitters, no conflicts (2 of 4 stars). 6 submissions from 6 submitters: Uncertain significance (5). 1 of the submissions does not count toward it. Last evaluated 2026-09-16.

Conditions:
Retinitis pigmentosa 74 (RP74). Identifiers: Orphanet 791, MedGen C4225281, MONDO:0014692, OMIM 616562.
Bardet-Biedl syndrome 2 (BBS2). Identifiers: Orphanet 110, MedGen C2936863, MONDO:0014432, OMIM 615981.
BBS2-related disorder. Also called: BBS2-related condition; BBS2-related disorders. Identifiers: MedGen CN239228.
Bardet-Biedl syndrome (BBS). Identifiers: Orphanet 110, MedGen C0752166, MONDO:0015229.

Allele frequency attached by ClinVar (database versions not stated): gnomAD 0.00003; TOPMed 0.00011; gnomAD exomes 0.00014; ExAC 0.00019.
gnomAD v4.1: 68 of 1,613,800 alleles (0.0042%); highest among the groups gnomAD compares: Admixed American, 0.065%; no homozygotes.

Submissions (6):

PreventionGenetics, part of Exact Sciences
Classification: Uncertain significance for BBS2-related condition. Last evaluated: 2026-09-16. Review status: criteria provided, single submitter. Criteria: ACMG Guidelines, 2015. Collection method: clinical testing. Allele origin: germline.
Comment: The BBS2 c.635T>C variant is predicted to result in the amino acid substitution p.Met212Thr. To our knowledge, this variant has not been reported in the literature. This variant is reported in 0.079% of alleles in individuals of Latino descent in gnomAD, which is likely too common for an undocumented disease-causing variant. Although we suspect that this variant may be benign, at this time, the clinical significance of this variant is uncertain due to the absence of conclusive functional and genetic evidence.

Labcorp Genetics (formerly Invitae), Labcorp
Classification: Uncertain significance for Bardet-Biedl syndrome. Last evaluated: 2024-11-05. Review status: criteria provided, single submitter. Criteria: Invitae Variant Classification Sherloc (09022015). Collection method: clinical testing. Allele origin: germline.
Comment: This sequence change replaces methionine, which is neutral and non-polar, with threonine, which is neutral and polar, at codon 212 of the BBS2 protein (p.Met212Thr). This variant is present in population databases (rs764600063, gnomAD 0.08%). This missense change has been observed in individual(s) with inherited retinal degeneration (PMID: 34906470). ClinVar contains an entry for this variant (Variation ID: 850744). Invitae Evidence Modeling of protein sequence and biophysical properties (such as structural, functional, and spatial information, amino acid conservation, physicochemical variation, residue mobility, and thermodynamic stability) has been performed for this missense variant. However, the output from this modeling did not meet the statistical confidence thresholds required to predict the impact of this variant on BBS2 protein function. In summary, the available evidence is currently insufficient to determine the role of this variant in disease. Therefore, it has been classified as a Variant of Uncertain Significance.

Blueprint Genetics
Classification: Uncertain significance. Last evaluated: 2024-02-16. Review status: criteria provided, single submitter. Criteria: ACMG Guidelines, 2015. Collection method: clinical testing. Allele origin: germline.

Fulgent Genetics
Classification: Uncertain significance for Bardet-Biedl syndrome 2; Retinitis pigmentosa 74. Last evaluated: 2021-12-02. Review status: criteria provided, single submitter. Criteria: ACMG Guidelines, 2015. Collection method: clinical testing. Allele origin: unknown.

Ocular Genomics Institute, Massachusetts Eye and Ear
Classification: Uncertain significance for Retinitis pigmentosa 74. Last evaluated: 2021-04-08. Review status: criteria provided, single submitter. Criteria: ACMG Guidelines, 2015. Collection method: research. Allele origin: germline. Affected: yes.
Comment: Through a review of available evidence we were able to apply the following criteria: PM2. Based on this evidence we have classified this variant as Variant of Uncertain Significance.

Natera, Inc.
Classification: Uncertain significance for Bardet-Biedl syndrome type 2. Last evaluated: 2020-02-21. Review status: no assertion criteria provided. Collection method: clinical testing. Allele origin: germline. Not counted in ClinVar's aggregate classification.

Literature cited by the submitters: PubMed 34906470 (cited by Labcorp Genetics (formerly Invitae), Labcorp).

NM_031885.5(BBS2):c.635T>C (p.Met212Thr)

Gene: BBS2 (Bardet-Biedl syndrome 2; minus strand). Cytogenetic location: 16q13.
Variant type: single nucleotide variant.
Coding change: c.635T>C on transcript NM_031885.5 (MANE Select); coding-DNA position 635, T replaced by C.
Protein change: p.Met212Thr; replaces methionine 212 with threonine.
Molecular consequence: missense variant. On other transcripts: non-coding transcript variant (5).
Genome position (GRCh38, 1-based): chr16:56,506,202, A>G on the plus strand (T>C on the coding strand, the complement: BBS2 is on the minus strand). VCF-style: chr16-56506202-A-G. GRCh37 (hg19) VCF-style: chr16-56540114-A-G.
Other names: c.635T>C, p.Met212Thr (NM_001377456.1); short protein forms M212T.
Identifiers: ClinVar variation 850744 (VCV000850744.10), dbSNP rs764600063, ClinGen allele CA8065976.
Genomic context (GRCh38, chr16:56,506,202, plus strand): 5'-GTTTTGTCATAAACTCCAACTGTGCCATTGGAAAGGGCATAACCAAATCGACTGCCATAC[A>G]TGGGACAAAGAGAGGTGACTATCTGCAAAACAATCCACAAAAACACAACATCTTTTCATT-3'
Protein context (NP_114091.4, residues 202-222): ETEIVTSLCP[Met212Thr]YGSRFGYALS